The following is an entry in ClinVar:

ClinVar aggregate classification (germline): Uncertain significance (1 of 4 stars; one submission).

Conditions:
Bethlem myopathy 1A. Also called: MYOPATHY, BENIGN CONGENITAL, WITH CONTRACTURES; Bethlem myopathy 1; Bethlem Muscular Dystrophy. Identifiers: Orphanet 610, MedGen CN029274, MONDO:0024530, OMIM 158810.

Allele frequency attached by ClinVar (database versions not stated): gnomAD exomes below 0.00001; ExAC 0.00001; TOPMed 0.00002; gnomAD 0.00003.
gnomAD v4.1: 6 of 1,613,938 alleles (0.00037%); highest among the groups gnomAD compares: African/African-American, 0.008%; no homozygotes.

Submission:

Labcorp Genetics (formerly Invitae), Labcorp
Classification: Uncertain significance for Bethlem myopathy 1A. Last evaluated: 2023-03-30. Review status: criteria provided, single submitter. Criteria: Invitae Variant Classification Sherloc (09022015). Collection method: clinical testing. Allele origin: germline.
Comment: In summary, the available evidence is currently insufficient to determine the role of this variant in disease. Therefore, it has been classified as a Variant of Uncertain Significance. Advanced modeling of protein sequence and biophysical properties (such as structural, functional, and spatial information, amino acid conservation, physicochemical variation, residue mobility, and thermodynamic stability) performed at Invitae indicates that this missense variant is expected to disrupt COL6A3 protein function. ClinVar contains an entry for this variant (Variation ID: 1988389). This variant has not been reported in the literature in individuals affected with COL6A3-related conditions. This variant is present in population databases (rs760453559, gnomAD 0.01%). This sequence change replaces lysine, which is basic and polar, with glutamic acid, which is acidic and polar, at codon 1305 of the COL6A3 protein (p.Lys1305Glu).

NM_004369.4(COL6A3):c.3913A>G (p.Lys1305Glu)

Gene: COL6A3 (collagen type VI alpha 3 chain; minus strand). Cytogenetic location: 2q37.3.
Variant type: single nucleotide variant.
Coding change: c.3913A>G on transcript NM_004369.4 (MANE Select); coding-DNA position 3913, A replaced by G.
Protein change: p.Lys1305Glu; replaces lysine 1305 with glutamic acid.
Molecular consequence: missense variant.
Genome position (GRCh38, 1-based): chr2:237,372,104, T>C on the plus strand (A>G on the coding strand, the complement: COL6A3 is on the minus strand). VCF-style: chr2-237372104-T-C. GRCh37 (hg19) VCF-style: chr2-238280747-T-C.
Other names: c.2692A>G, p.Lys898Glu (NM_057164.5); c.3295A>G, p.Lys1099Glu (NM_057165.5, NM_057167.4); c.2092A>G, p.Lys698Glu (NM_057166.5); short protein forms K1305E, K898E, K698E, K1099E.
Identifiers: ClinVar variation 1988389 (VCV001988389.4), dbSNP rs760453559, ClinGen allele CA2189045.